The following is an entry in ClinVar:

NM_001128205.2(SULF1):c.204G>C (p.Lys68Asn)

Gene: SULF1 (sulfatase 1; plus strand). Cytogenetic location: 8q13.2.
Variant type: single nucleotide variant.
Coding change: c.204G>C on transcript NM_001128205.2 (MANE Select); coding-DNA position 204, G replaced by C.
Protein change: p.Lys68Asn; replaces lysine 68 with asparagine.
Molecular consequence: missense variant. On other transcripts: 5 prime UTR variant (3), non-coding transcript variant (6).
Genome position (GRCh38, 1-based): chr8:69,576,001, G>C. VCF-style: chr8-69576001-G-C. GRCh37 (hg19) VCF-style: chr8-70488236-G-C.
Other names: c.204G>C, p.Lys68Asn (NM_001128204.2, NM_001128206.2, NM_001412828.1 and 18 more transcripts); c.18G>C, p.Lys6Asn (NM_001412841.1, NM_001412842.1); c.-323G>C (NM_001412844.1, NM_001412845.1); c.-1498G>C (NM_001412846.1); short protein forms K68N, K6N.
Identifiers: ClinVar variation 3680713 (VCV003680713.2).

ClinVar aggregate classification (germline): Uncertain significance (1 of 4 stars; one submission).

gnomAD v4.1: 3 of 1,614,040 alleles (0.00019%); highest among the groups gnomAD compares: South Asian, 0.0033%; no homozygotes.

Submission:

Labcorp Genetics (formerly Invitae), Labcorp
Classification: Uncertain significance. Last evaluated: 2025-02-06. Review status: criteria provided, single submitter. Criteria: Invitae Variant Classification Sherloc (09022015). Collection method: clinical testing. Allele origin: germline.
Comment: This sequence change replaces lysine, which is basic and polar, with asparagine, which is neutral and polar, at codon 68 of the SULF1 protein (p.Lys68Asn). This variant is present in population databases (rs752880935, gnomAD 0.007%). This variant has not been reported in the literature in individuals affected with SULF1-related conditions. An algorithm developed to predict the effect of missense changes on protein structure and function (PolyPhen-2) suggests that this variant is likely to be tolerated. In summary, the available evidence is currently insufficient to determine the role of this variant in disease. Therefore, it has been classified as a Variant of Uncertain Significance.